The following is an entry in ClinVar:

NM_000153.4(GALC):c.1835-1G>A

Gene: GALC (galactosylceramidase; minus strand). Cytogenetic location: 14q31.3.
Variant type: single nucleotide variant.
Coding change: c.1835-1G>A on transcript NM_000153.4 (MANE Select); the canonical splice acceptor site of the intron before coding-DNA position 1835, G replaced by A.
Molecular consequence: splice acceptor variant.
Genome position (GRCh38, 1-based): chr14:87,939,982, C>T on the plus strand (G>A on the coding strand, the complement: GALC is on the minus strand). VCF-style: chr14-87939982-C-T. GRCh37 (hg19) VCF-style: chr14-88406326-C-T.
Other names: c.1757-1G>A (NM_001201402.2); c.1766-1G>A (NM_001201401.2).
Identifiers: ClinVar variation 550658 (VCV000550658.5), dbSNP rs1555378562, ClinGen allele CA390745565.
Genomic context (GRCh38, chr14:87,939,982, plus strand): 5'-GTGTATACCATTTTTTTGCTGTAACTTCAACACGTCCTAAAGCATATATAATCCATCCAG[C>T]TGTAACACAAAAATATTATCCCAATAGATATAATTTTGAGATCTCAATCACAGAATCATA-3'

ClinVar aggregate classification (germline): Pathogenic/Likely pathogenic. Review status: criteria provided, multiple submitters, no conflicts (2 of 4 stars). 3 submissions from 3 submitters: Pathogenic (1); Likely pathogenic (1). 1 of the submissions does not count toward it. Last evaluated 2024-05-09.

Conditions:
Galactosylceramide beta-galactosidase deficiency. Also called: GALACTOCEREBROSIDASE DEFICIENCY; GALC DEFICIENCY; GLOBOID CELL LEUKOENCEPHALOPATHY; Leukodystrophy, Globoid Cell; Krabbe Disease. Identifiers: Orphanet 487, MedGen C0023521, MONDO:0009499, OMIM 245200.

Submissions (3):

Foundation for Research in Genetics and Endocrinology, FRIGE's Institute of Human Genetics
Classification: Pathogenic for Galactosylceramide beta-galactosidase deficiency. Last evaluated: 2024-05-09. Review status: criteria provided, single submitter. Criteria: ACMG Guidelines, 2015. Collection method: clinical testing. Allele origin: germline. Inheritance: Autosomal recessive inheritance. Affected: yes. Observed: 1 compound heterozygote.
Comment: A heterozygous variant in intron 15 of the GALC gene was detected. The observed variant c.1835-1G>A has not been reported in the 1000 genomes database. The in silico predictions is damaging by MutationTaster and DANN. In summary, the variant meets our criteria to be classified as pathogenic.

Fulgent Genetics
Classification: Likely pathogenic for Galactosylceramide beta-galactosidase deficiency. Last evaluated: 2024-04-04. Review status: criteria provided, single submitter. Criteria: ACMG Guidelines, 2015. Collection method: clinical testing. Allele origin: germline.

Counsyl
Classification: Likely pathogenic for Galactosylceramide beta-galactosidase deficiency. Last evaluated: 2017-02-07. Review status: no assertion criteria provided. Collection method: clinical testing. Allele origin: unknown. Not counted in ClinVar's aggregate classification.